The following is an entry in ClinVar:

ClinVar aggregate classification (germline): Likely pathogenic (1 of 4 stars; one submission).

Conditions:
Fanconi anemia (FA). Also called: Fanconi's anemia. Identifiers: Orphanet 84, MedGen C0015625, MeSH D005199, MONDO:0019391.

gnomAD v4.1: 1 of 1,614,250 alleles (0.000062%); highest among the groups gnomAD compares: Non-Finnish European, 0.000085%; no homozygotes.

Submission:

Labcorp Genetics (formerly Invitae), Labcorp
Classification: Likely pathogenic for Fanconi anemia. Last evaluated: 2019-10-12. Review status: criteria provided, single submitter. Criteria: Invitae Variant Classification Sherloc (09022015). Collection method: clinical testing. Allele origin: germline.
Comment: This variant is not present in population databases (ExAC no frequency). In summary, the currently available evidence indicates that the variant is pathogenic, but additional data are needed to prove that conclusively. Therefore, this variant has been classified as Likely Pathogenic. Donor and acceptor splice site variants typically lead to a loss of protein function (PMID: 16199547), and loss-of-function variants in FANCD2 are known to be pathogenic (PMID: 17436244). Algorithms developed to predict the effect of sequence changes on RNA splicing suggest that this variant may disrupt the consensus splice site, but this prediction has not been confirmed by published transcriptional studies. This variant has not been reported in the literature in individuals with FANCD2-related conditions. This sequence change affects a donor splice site in intron 16 of the FANCD2 gene. It is expected to disrupt RNA splicing and likely results in an absent or disrupted protein product.

Literature cited by the submitters: PubMed 16199547; PubMed 17436244.

NM_001018115.3(FANCD2):c.1413+2T>C

Genes: FANCD2 (FA complementation group D2; plus strand), LOC107303338 (3p25 FANCD2 Alu-mediated recombination region; plus strand). Cytogenetic location: 3p25.3.
Variant type: single nucleotide variant.
Coding change: c.1413+2T>C on transcript NM_001018115.3 (MANE Select); the canonical splice donor site of the intron after coding-DNA position 1413, T replaced by C.
Molecular consequence: splice donor variant.
Genome position (GRCh38, 1-based): chr3:10,048,053, T>C. VCF-style: chr3-10048053-T-C. GRCh37 (hg19) VCF-style: chr3-10089737-T-C.
Other names: c.1413+2T>C (NM_001319984.2, NM_001374253.1, NM_033084.6 and 1 more transcripts).
Identifiers: ClinVar variation 940933 (VCV000940933.8), dbSNP rs1459222478, ClinGen allele CA351736789.